The following is an entry in ClinVar:

ClinVar aggregate classification (germline): Benign/Likely benign. Review status: criteria provided, multiple submitters, no conflicts (2 of 4 stars). 4 submissions from 4 submitters: Benign (1); Likely benign (2). 1 of the submissions does not count toward it. Last evaluated 2026-02-03.

Conditions:
Oto-palato-digital syndrome, type II (OPD2). Also called: Otopalatodigital Syndrome, Type II; OPD II SYNDROME; Otopalatodigital Syndrome Type 2 (FLNA-OPD2); FACIOPALATOOSSEOUS SYNDROME. Identifiers: Orphanet 669, Orphanet 90652, MedGen C1844696, MONDO:0010571, OMIM 304120.
Heterotopia, periventricular, X-linked dominant (PVNH1). Also called: PERIVENTRICULAR NODULAR HETEROTOPIA 1; PERIVENTRICULAR NODULAR HETEROTOPIA 4; HETEROTOPIA, PERIVENTRICULAR, 1; X-linked periventricular heterotopia. Identifiers: Orphanet 2149, Orphanet 82004, MedGen C1848213, MONDO:0010233, OMIM 300049.
Melnick-Needles syndrome (MNS). Also called: MELNICK-NEEDLES OSTEODYSPLASTY; OSTEODYSPLASTY OF MELNICK AND NEEDLES; Melnick-Needles Syndrome (FLNA-MNS). Identifiers: Orphanet 2484, MedGen C0025237, MONDO:0010650, OMIM 309350.
Frontometaphyseal dysplasia (FMD1). Identifiers: Orphanet 1826, MedGen C0265293, MONDO:0015942.
FLNA-related disorder.

Submissions (4):

Labcorp Genetics (formerly Invitae), Labcorp
Classification: Benign for Oto-palato-digital syndrome, type II; Heterotopia, periventricular, X-linked dominant; Frontometaphyseal dysplasia; Melnick-Needles syndrome. Last evaluated: 2026-02-03. Review status: criteria provided, single submitter. Criteria: Invitae Variant Classification Sherloc (09022015). Collection method: clinical testing. Allele origin: germline.

Blueprint Genetics
Classification: Likely benign. Last evaluated: 2022-04-12. Review status: criteria provided, single submitter. Criteria: ACMG Guidelines, 2015. Collection method: clinical testing. Allele origin: germline.

GeneDx
Classification: Likely benign. Last evaluated: 2017-01-16. Review status: criteria provided, single submitter. Criteria: GeneDx Variant Classification (06012015). Collection method: clinical testing. Allele origin: germline. Affected: yes.
Comment: This variant is considered likely benign or benign based on one or more of the following criteria: it is a conservative change, it occurs at a poorly conserved position in the protein, it is predicted to be benign by multiple in silico algorithms, and/or has population frequency not consistent with disease.

PreventionGenetics, part of Exact Sciences
Classification: Likely benign for FLNA-related condition. Last evaluated: 2020-12-16. Review status: no assertion criteria provided. Collection method: clinical testing. Allele origin: germline. Not counted in ClinVar's aggregate classification.
Comment: This variant is classified as likely benign based on ACMG/AMP sequence variant interpretation guidelines (Richards et al. 2015 PMID: 25741868, with internal and published modifications).

NM_001110556.2(FLNA):c.3979+8_3979+11del

Gene: FLNA (filamin A; minus strand). Cytogenetic location: Xq28.
Variant type: Deletion.
Coding change: c.3979+8_3979+11del on transcript NM_001110556.2 (MANE Select); bases 8 to 11 of the intron after coding-DNA position 3979, 4 bases deleted (CTGG; older notation c.3979+8_3979+11delCTGG).
Molecular consequence: intron variant.
Genome position (GRCh38, 1-based): chrX:154,359,721-154,359,724, CCAG deleted on the plus strand (CTGG on the coding strand, the reverse complement: FLNA is on the minus strand); deleting any 4 consecutive bases within chrX:154,359,721-154,359,725 gives the same sequence; the c. name uses the placement nearest the transcript's 3' end. VCF-style (leftmost placement, unchanged base first): chrX-154359720-CCCAG-C. GRCh37 (hg19) VCF-style: chrX-153588088-CCCAG-C.
Other names: c.3979+8_3979+11del (NM_001456.4); c.3979+8_3979+11delCTGG (NM_001456.3, NM_001110556.1).
Identifiers: ClinVar variation 419247 (VCV000419247.14), dbSNP rs781854538, ClinGen allele CA10560628.